The following is an entry in ClinVar:

NM_020822.3(KCNT1):c.2903G>A (p.Arg968His)

Gene: KCNT1 (potassium sodium-activated channel subfamily T member 1; plus strand). Cytogenetic location: 9q34.3.
Variant type: single nucleotide variant.
Coding change: c.2903G>A on transcript NM_020822.3 (MANE Select); coding-DNA position 2903, G replaced by A.
Protein change: p.Arg968His; replaces arginine 968 with histidine.
Molecular consequence: missense variant.
Genome position (GRCh38, 1-based): chr9:135,784,085, G>A. VCF-style: chr9-135784085-G-A. GRCh37 (hg19) VCF-style: chr9-138675931-G-A.
Other names: c.2768G>A, p.Arg923His (NM_001272003.2); short protein forms R968H, R923H.
Identifiers: ClinVar variation 540569 (VCV000540569.11), dbSNP rs1325608473, ClinGen allele CA375517503.

ClinVar aggregate classification (germline): Uncertain significance. Review status: criteria provided, multiple submitters, no conflicts (2 of 4 stars). 2 submissions from 2 submitters: Uncertain significance (2). Last evaluated 2024-04-11.

Conditions:
Autosomal dominant nocturnal frontal lobe epilepsy 5. Also called: Epilepsy, nocturnal frontal lobe, 5; KCNT1-Related Epilepsy; CILIARY DYSKINESIA, PRIMARY, 28, WITHOUT SITUS INVERSUS; CILIARY DYSKINESIA, PRIMARY, 28, WITH SITUS INVERSUS. Identifiers: Orphanet 98784, MedGen C3554306, MONDO:0014002, OMIM 615005.
Developmental and epileptic encephalopathy, 14 (DEE14). Also called: Early infantile epileptic encephalopathy 14. Identifiers: Orphanet 293181, MedGen C3554195, MONDO:0013989, OMIM 614959.
Inborn genetic diseases. Identifiers: MedGen C0950123, MeSH D030342.

Allele frequency attached by ClinVar (database versions not stated): TOPMed 0.00001; gnomAD 0.00001.
gnomAD v4.1: 16 of 1,605,624 alleles (0.001%); highest among the groups gnomAD compares: South Asian, 0.0022%; no homozygotes.

Submissions (2):

Labcorp Genetics (formerly Invitae), Labcorp
Classification: Uncertain significance for Autosomal dominant nocturnal frontal lobe epilepsy 5; Developmental and epileptic encephalopathy, 14. Last evaluated: 2024-04-11. Review status: criteria provided, single submitter. Criteria: Invitae Variant Classification Sherloc (09022015). Collection method: clinical testing. Allele origin: germline.
Comment: This sequence change replaces arginine, which is basic and polar, with histidine, which is basic and polar, at codon 968 of the KCNT1 protein (p.Arg968His). This variant is not present in population databases (gnomAD no frequency). This variant has not been reported in the literature in individuals affected with KCNT1-related conditions. ClinVar contains an entry for this variant (Variation ID: 540569). Advanced modeling of protein sequence and biophysical properties (such as structural, functional, and spatial information, amino acid conservation, physicochemical variation, residue mobility, and thermodynamic stability) performed at Invitae indicates that this missense variant is not expected to disrupt KCNT1 protein function with a negative predictive value of 80%. In summary, the available evidence is currently insufficient to determine the role of this variant in disease. Therefore, it has been classified as a Variant of Uncertain Significance.

Ambry Genetics
Classification: Uncertain significance for Inborn genetic diseases. Last evaluated: 2018-02-28. Review status: criteria provided, single submitter. Criteria: Ambry Variant Classification Scheme 2023. Collection method: clinical testing. Allele origin: germline.
Comment: The p.R968H variant (also known as c.2903G>A), located in coding exon 25 of the KCNT1 gene, results from a G to A substitution at nucleotide position 2903. The arginine at codon 968 is replaced by histidine, an amino acid with highly similar properties. This amino acid position is highly conserved in available vertebrate species. In addition, this alteration is predicted to be deleterious by in silico analysis. Since supporting evidence is limited at this time, the clinical significance of this alteration remains unclear.